The following is an entry in ClinVar:

NM_007363.5(NONO):c.898A>T (p.Met300Leu)

Gene: NONO (non-POU domain containing octamer binding; plus strand). Cytogenetic location: Xq13.1.
Variant type: single nucleotide variant.
Coding change: c.898A>T on transcript NM_007363.5 (MANE Select); coding-DNA position 898, A replaced by T.
Protein change: p.Met300Leu; replaces methionine 300 with leucine.
Molecular consequence: missense variant.
Genome position (GRCh38, 1-based): chrX:71,297,002, A>T. VCF-style: chrX-71297002-A-T. GRCh37 (hg19) VCF-style: chrX-70516852-A-T.
Other names: c.898A>T, p.Met300Leu (NM_001145408.2, NM_001145409.2); c.631A>T, p.Met211Leu (NM_001145410.2); short protein forms M211L, M300L.
Identifiers: ClinVar variation 1695753 (VCV001695753.2), dbSNP rs1370808843, ClinGen allele CA413545046.

ClinVar aggregate classification (germline): Uncertain significance (1 of 4 stars; one submission).

gnomAD v4.1: 2 of 1,206,864 alleles (0.00017%); highest among the groups gnomAD compares: Non-Finnish European, 0.00022%; no homozygotes.

Submission:

GeneDx
Classification: Uncertain significance. Last evaluated: 2022-01-07. Review status: criteria provided, single submitter. Criteria: GeneDx Variant Classification Process June 2021. Collection method: clinical testing. Allele origin: germline. Affected: yes.
Comment: Not observed at significant frequency in large population cohorts (gnomAD); In silico analysis supports that this missense variant does not alter protein structure/function; Has not been previously published as pathogenic or benign to our knowledge